The following is an entry in ClinVar:

ClinVar aggregate classification (germline): Uncertain significance (1 of 4 stars; one submission).

Conditions:
Muscle AMP deaminase deficiency (MMDD). Also called: ADENOSINE MONOPHOSPHATE DEAMINASE-1 DEFICIENCY, MYOPATHY DUE TO; AMPD1 DEFICIENCY; Myoadenylate deaminase deficiency, myopathy due to; Adenosine monophosphate deaminase 1 deficiency; AMP deaminase 1 deficiency; Adenosine Monophosphate Deaminase 1. Identifiers: Orphanet 45, MedGen C3714933, MONDO:0014220, OMIM 615511.

Allele frequency attached by ClinVar (database versions not stated): gnomAD exomes below 0.00001.
gnomAD v4.1: 1 of 1,612,258 alleles (0.000062%); highest among the groups gnomAD compares: Admixed American, 0.0017%; no homozygotes.

Submission:

Labcorp Genetics (formerly Invitae), Labcorp
Classification: Uncertain significance for Muscle AMP deaminase deficiency. Last evaluated: 2022-08-06. Review status: criteria provided, single submitter. Criteria: Invitae Variant Classification Sherloc (09022015). Collection method: clinical testing. Allele origin: germline.
Comment: This variant has not been reported in the literature in individuals affected with AMPD1-related conditions. In summary, the available evidence is currently insufficient to determine the role of this variant in disease. Therefore, it has been classified as a Variant of Uncertain Significance. Algorithms developed to predict the effect of missense changes on protein structure and function output the following: SIFT: "Tolerated"; PolyPhen-2: "Benign"; Align-GVGD: "Class C0". The leucine amino acid residue is found in multiple mammalian species, which suggests that this missense change does not adversely affect protein function. This variant is present in population databases (no rsID available, gnomAD 0.003%). This sequence change replaces methionine, which is neutral and non-polar, with leucine, which is neutral and non-polar, at codon 616 of the AMPD1 protein (p.Met616Leu).

NM_000036.3(AMPD1):c.1747A>T (p.Met583Leu)

Gene: AMPD1 (adenosine monophosphate deaminase 1; minus strand). Cytogenetic location: 1p13.2.
Variant type: single nucleotide variant.
Coding change: c.1747A>T on transcript NM_000036.3 (MANE Select); coding-DNA position 1747, A replaced by T.
Protein change: p.Met583Leu; replaces methionine 583 with leucine.
Molecular consequence: missense variant.
Genome position (GRCh38, 1-based): chr1:114,674,805, T>A on the plus strand (A>T on the coding strand, the complement: AMPD1 is on the minus strand). VCF-style: chr1-114674805-T-A. GRCh37 (hg19) VCF-style: chr1-115217426-T-A.
Other names: c.1735A>T, p.Met579Leu (NM_001172626.2); short protein forms M579L, M583L.
Identifiers: ClinVar variation 1947835 (VCV001947835.5), dbSNP rs1324199174, ClinGen allele CA341746028.